The following is an entry in ClinVar:

NM_005993.5(TBCD):c.2994C>G (p.Ile998Met)

Gene: TBCD (tubulin folding cofactor D). Cytogenetic location: 17q25.3.
Variant type: single nucleotide variant.
Coding change: c.2994C>G on transcript NM_005993.5 (MANE Select); coding-DNA position 2994, C replaced by G.
Protein change: p.Ile998Met; replaces isoleucine 998 with methionine.
Molecular consequence: missense variant.
Genome position (GRCh38, 1-based): chr17:82,930,524, C>G. VCF-style: chr17-82930524-C-G. GRCh37 (hg19) VCF-style: chr17-80888400-C-G.
Other names: c.2943C>G, p.Ile981Met (NM_001411101.1); c.2913C>G, p.Ile971Met (NM_001411102.1); short protein forms I998M, I981M, I971M.
Identifiers: ClinVar variation 1970909 (VCV001970909.5), dbSNP rs747027727, ClinGen allele CA8863359.

ClinVar aggregate classification (germline): Uncertain significance (1 of 4 stars; one submission).

gnomAD v4.1: 1 of 1,612,972 alleles (0.000062%); highest among the groups gnomAD compares: Non-Finnish European, 0.000085%; no homozygotes.

Submission:

Labcorp Genetics (formerly Invitae), Labcorp
Classification: Uncertain significance. Last evaluated: 2022-06-27. Review status: criteria provided, single submitter. Criteria: Invitae Variant Classification Sherloc (09022015). Collection method: clinical testing. Allele origin: germline.
Comment: This variant is present in population databases (rs747027727, gnomAD 0.0009%). This sequence change replaces isoleucine, which is neutral and non-polar, with methionine, which is neutral and non-polar, at codon 998 of the TBCD protein (p.Ile998Met). This variant has not been reported in the literature in individuals affected with TBCD-related conditions. Algorithms developed to predict the effect of missense changes on protein structure and function (SIFT, PolyPhen-2, Align-GVGD) all suggest that this variant is likely to be tolerated. In summary, the available evidence is currently insufficient to determine the role of this variant in disease. Therefore, it has been classified as a Variant of Uncertain Significance.